The following is an entry in ClinVar:

ClinVar aggregate classification (germline): Benign/Likely benign. Review status: criteria provided, multiple submitters, no conflicts (2 of 4 stars). 9 submissions from 7 submitters: Benign (4); Likely benign (4). 1 of the submissions does not count toward it. Last evaluated 2026-02-04.

Conditions:
Retinitis pigmentosa (RP). Identifiers: Orphanet 791, MedGen C0035334, MeSH D012174, MONDO:0019200, OMIM 268000. Inheritance: Autosomal dominant, autosomal recessive and X linked inheritance.
Usher syndrome type 2A. Also called: RETINAL DISEASE IN USHER SYNDROME TYPE IIA, MODIFIER OF; USHER SYNDROME, TYPE IIA. Identifiers: Orphanet 231178, Orphanet 886, MedGen C1848634, MONDO:0010169, OMIM 276901.
Retinitis pigmentosa 39 (RP39). Identifiers: Orphanet 791, MedGen C3151138, MONDO:0013436, OMIM 613809.

Allele frequency attached by ClinVar (database versions not stated): gnomAD 0.00005 and 0.00135; TOPMed 0.00028; gnomAD exomes 0.00469; ExAC 0.00494; 1000 Genomes Project 0.00919; 1000 Genomes Project 30x 0.00937.
gnomAD v4.1: 3,460 of 1,614,086 alleles (0.21%); highest among the groups gnomAD compares: South Asian, 3.5%; 101 homozygotes.

Submissions (10):

Labcorp Genetics (formerly Invitae), Labcorp
Classification: Benign. Last evaluated: 2026-02-04. Review status: criteria provided, single submitter. Criteria: Invitae Variant Classification Sherloc (09022015). Collection method: clinical testing. Allele origin: germline.

Genome-Nilou Lab
Classification: Likely benign for Retinitis pigmentosa 39. Last evaluated: 2023-11-04. Review status: criteria provided, single submitter. Criteria: ACMG Guidelines, 2015. Collection method: clinical testing. Allele origin: germline. Affected: no.

Genome-Nilou Lab
Classification: Likely benign for Usher syndrome type 2A. Last evaluated: 2023-11-04. Review status: criteria provided, single submitter. Criteria: ACMG Guidelines, 2015. Collection method: clinical testing. Allele origin: germline. Affected: no.

Illumina Laboratory Services, Illumina
Classification: Benign for Usher syndrome type 2A. Last evaluated: 2018-01-12. Review status: criteria provided, single submitter. Criteria: ICSL Variant Classification Criteria 13 December 2019. Collection method: clinical testing. Allele origin: germline.
Comment: This variant was observed in the ICSL laboratory as part of a predisposition screen in an ostensibly healthy population. It had not been previously curated by ICSL or reported in the Human Gene Mutation Database (HGMD: prior to June 1st, 2018), and was therefore a candidate for classification through an automated scoring system. Utilizing variant allele frequency, disease prevalence and penetrance estimates, and inheritance mode, an automated score was calculated to assess if this variant is too frequent to cause the disease. Based on the score and internal cut-off values, a variant classified as benign is not then subjected to further curation. The score for this variant resulted in a classification of benign for this disease.

Illumina Laboratory Services, Illumina
Classification: Likely benign for Retinitis pigmentosa. Last evaluated: 2018-01-12. Review status: criteria provided, single submitter. Criteria: ICSL Variant Classification Criteria 13 December 2019. Collection method: clinical testing. Allele origin: germline.
Comment: This variant was observed in the ICSL laboratory as part of a predisposition screen in an ostensibly healthy population. It had not been previously curated by ICSL or reported in the Human Gene Mutation Database (HGMD: prior to June 1st, 2018), and was therefore a candidate for classification through an automated scoring system. Utilizing variant allele frequency, disease prevalence and penetrance estimates, and inheritance mode, an automated score was calculated to assess if this variant is too frequent to cause the disease. Based on the score and internal cut-off values, a variant classified as likely benign is not then subjected to further curation. The score for this variant resulted in a classification of likely benign for this disease.

Laboratory for Molecular Medicine, Mass General Brigham Personalized Medicine
Classification: Benign. Last evaluated: 2015-07-01. Review status: criteria provided, single submitter. Criteria: LMM Criteria. Collection method: clinical testing. Allele origin: germline. Observed: 5 variant alleles.
Comment: Cys577Cys in exon 10 of USH2A: This variant is not expected to have clinical sig nificance because it does not alter an amino acid residue, is not located near a splice junction and is present in 3.6% (591/16512) of South Asian chromosomes b y the Exome Aggregation Consortium (ExAC; dbSNP rs41313732).

GeneDx
Classification: Benign. Last evaluated: 2015-03-03. Review status: criteria provided, single submitter. Criteria: GeneDx Variant Classification Process June 2021. Collection method: clinical testing. Allele origin: germline. Affected: yes.

Breakthrough Genomics
Classification: Likely benign. Review status: criteria provided, single submitter. Criteria: ACMG Guidelines, 2015. Collection method: not provided. Allele origin: germline. Inheritance: Autosomal recessive inheritance. Affected: yes.

Natera, Inc.
Classification: Benign for Usher syndrome type 2A. Last evaluated: 2020-09-16. Review status: no assertion criteria provided. Collection method: clinical testing. Allele origin: germline. Not counted in ClinVar's aggregate classification.

Dr. Peter K. Rogan Lab, Western University
No classification provided (evidence only). Condition: Thyroid cancer, nonmedullary, 1. Review status: no classification provided. Collection method: in vitro. Allele origin: not applicable. Functional consequence: retained intron. Not counted in ClinVar's aggregate classification.

NM_206933.4(USH2A):c.1731C>T (p.Cys577=)

Gene: USH2A (usherin; minus strand). Cytogenetic location: 1q41.
Variant type: single nucleotide variant.
Coding change: c.1731C>T on transcript NM_206933.4 (MANE Select); coding-DNA position 1731, C replaced by T.
Protein change: p.Cys577=; no amino-acid change (cysteine 577 retained).
Molecular consequence: synonymous variant.
Genome position (GRCh38, 1-based): chr1:216,292,284, G>A on the plus strand (C>T on the coding strand, the complement: USH2A is on the minus strand). VCF-style: chr1-216292284-G-A. GRCh37 (hg19) VCF-style: chr1-216465626-G-A.
Other names: c.1731C>T, p.Cys577= (NM_007123.6).
Identifiers: ClinVar variation 48474 (VCV000048474.24), dbSNP rs41313732, ClinGen allele CA143419.
Genomic context (GRCh38, chr1:216,292,284, plus strand): 5'-GTGCTCAAAAGGAAATGGGTCTACAGAGATGTTGTAATGGCAGCTTTTGGAATGGCTGTT[G>A]CATTGACAAGGTTTACAATTGAAAGCGTAAACTTGATCACCTTGGCGGAAAGGCTTGTCA-3'
Protein context (NP_996816.3, residues 567-587): VYAFNCKPCQ[Cys577=]NSHSKSCHYN